The following is an entry in ClinVar:

NM_014679.5(CEP57):c.1000A>G (p.Lys334Glu)

Gene: CEP57 (centrosomal protein 57; plus strand). Cytogenetic location: 11q21.
Variant type: single nucleotide variant.
Coding change: c.1000A>G on transcript NM_014679.5 (MANE Select); coding-DNA position 1000, A replaced by G.
Protein change: p.Lys334Glu; replaces lysine 334 with glutamic acid.
Molecular consequence: missense variant.
Genome position (GRCh38, 1-based): chr11:95,827,900, A>G. VCF-style: chr11-95827900-A-G. GRCh37 (hg19) VCF-style: chr11-95561064-A-G.
Other names: c.973A>G, p.Lys325Glu (NM_001243776.2); c.922A>G, p.Lys308Glu (NM_001243777.2); c.919A>G, p.Lys307Glu (NM_001363604.2); c.1000A>G (NM_014679.4); short protein forms K307E, K308E, K325E, K334E.
Identifiers: ClinVar variation 1488608 (VCV001488608.9), dbSNP rs2135373567, ClinGen allele CA382408004.

ClinVar aggregate classification (germline): Uncertain significance. Review status: criteria provided, multiple submitters, no conflicts (2 of 4 stars). 2 submissions from 2 submitters: Uncertain significance (2). Last evaluated 2026-04-12.

Conditions:
Inborn genetic diseases. Identifiers: MedGen C0950123, MeSH D030342.
Mosaic variegated aneuploidy syndrome 2 (MVA2). Identifiers: Orphanet 1052, MedGen C3279843, MONDO:0013582, OMIM 614114.

Submissions (2):

Ambry Genetics
Classification: Uncertain significance for Inborn genetic diseases. Last evaluated: 2026-04-12. Review status: criteria provided, single submitter. Criteria: Ambry Variant Classification Scheme 2023. Collection method: clinical testing. Allele origin: germline.
Comment: The p.K334E variant (also known as c.1000A>G), located in coding exon 9 of the CEP57 gene, results from an A to G substitution at nucleotide position 1000. The lysine at codon 334 is replaced by glutamic acid, an amino acid with similar properties. This amino acid position is conserved. In addition, the in silico prediction for this alteration is inconclusive. Based on the available evidence, the clinical significance of this variant remains unclear.

Labcorp Genetics (formerly Invitae), Labcorp
Classification: Uncertain significance for Mosaic variegated aneuploidy syndrome 2. Last evaluated: 2020-11-15. Review status: criteria provided, single submitter. Criteria: Invitae Variant Classification Sherloc (09022015). Collection method: clinical testing. Allele origin: germline.
Comment: In summary, the available evidence is currently insufficient to determine the role of this variant in disease. Therefore, it has been classified as a Variant of Uncertain Significance. Algorithms developed to predict the effect of sequence changes on RNA splicing suggest that this variant may create or strengthen a splice site, but this prediction has not been confirmed by published transcriptional studies. Algorithms developed to predict the effect of missense changes on protein structure and function (SIFT, PolyPhen-2, Align-GVGD) all suggest that this variant is likely to be tolerated, but these predictions have not been confirmed by published functional studies and their clinical significance is uncertain. This variant has not been reported in the literature in individuals with CEP57-related conditions. This variant is not present in population databases (ExAC no frequency). This sequence change replaces lysine with glutamic acid at codon 334 of the CEP57 protein (p.Lys334Glu). The lysine residue is highly conserved and there is a small physicochemical difference between lysine and glutamic acid.